The following is an entry in ClinVar:

ClinVar aggregate classification (germline): Uncertain significance (1 of 4 stars; one submission).

Conditions:
Osteogenesis imperfecta type I (OI1). Also called: OI, TYPE I; OSTEOGENESIS IMPERFECTA TARDA; OSTEOGENESIS IMPERFECTA WITH BLUE SCLERAE; Lobstein's Disease; Osteogenesis imperfecta type 1; Classic Non-deforming Osteogenesis Imperfecta with Blue Sclerae. Identifiers: Orphanet 216796, Orphanet 666, MedGen C0023931, MONDO:0008146, OMIM 166200. Disease mechanism: loss of function.

Submission:

Labcorp Genetics (formerly Invitae), Labcorp
Classification: Uncertain significance for Osteogenesis imperfecta type I. Last evaluated: 2026-01-06. Review status: criteria provided, single submitter. Criteria: Invitae Variant Classification Sherloc (09022015). Collection method: clinical testing. Allele origin: germline.
Comment: This sequence change replaces aspartic acid, which is acidic and polar, with tyrosine, which is neutral and polar, at codon 1197 of the COL1A1 protein (p.Asp1197Tyr). This variant is not present in population databases (gnomAD no frequency). This missense change has been observed in individual(s) with clinical features of osteogenesis imperfecta (internal data). Invitae Evidence Modeling of protein sequence and biophysical properties (such as structural, functional, and spatial information, amino acid conservation, physicochemical variation, residue mobility, and thermodynamic stability) indicates that this missense variant is expected to disrupt COL1A1 protein function with a positive predictive value of 80%. In summary, the available evidence is currently insufficient to determine the role of this variant in disease. Therefore, it has been classified as a Variant of Uncertain Significance.

NM_000088.4(COL1A1):c.3589G>T (p.Asp1197Tyr)

Gene: COL1A1 (collagen type I alpha 1 chain; minus strand). Cytogenetic location: 17q21.33.
Variant type: single nucleotide variant.
Coding change: c.3589G>T on transcript NM_000088.4 (MANE Select); coding-DNA position 3589, G replaced by T.
Protein change: p.Asp1197Tyr; replaces aspartic acid 1197 with tyrosine.
Molecular consequence: missense variant.
Genome position (GRCh38, 1-based): chr17:50,186,865, C>A on the plus strand (G>T on the coding strand, the complement: COL1A1 is on the minus strand). VCF-style: chr17-50186865-C-A. GRCh37 (hg19) VCF-style: chr17-48264226-C-A.
Other names: short protein forms D1197Y.
Identifiers: ClinVar variation 4800883 (VCV004800883.1).
Genomic context (GRCh38, chr17:50,186,865, plus strand): 5'-GGTAGTAGCGGCCACCATCGTGAGCCTTCTCTTGAGGTGGCTGGGGCAGGAAGCTGAAGT[C>A]GAAACCAGCGCTGGGAGGACCAGGGGGACCAGGAGGTCCAGGAGGGCCGGGGGGACCCTG-3'
Protein context (NP_000079.2, residues 1187-1207): GPPGPPSAGF[Asp1197Tyr]FSFLPQPPQE